The following is an entry in ClinVar:

NM_007129.5(ZIC2):c.931G>A (p.Gly311Ser)

Gene: ZIC2 (Zic family zinc finger 2; plus strand). Cytogenetic location: 13q32.3.
Variant type: single nucleotide variant.
Coding change: c.931G>A on transcript NM_007129.5 (MANE Select); coding-DNA position 931, G replaced by A.
Protein change: p.Gly311Ser; replaces glycine 311 with serine.
Molecular consequence: missense variant.
Genome position (GRCh38, 1-based): chr13:99,982,995, G>A. VCF-style: chr13-99982995-G-A. GRCh37 (hg19) VCF-style: chr13-100635249-G-A.
Other names: short protein forms G311S.
Identifiers: ClinVar variation 3687798 (VCV003687798.2).

ClinVar aggregate classification (germline): Uncertain significance (1 of 4 stars; one submission).

Conditions:
Holoprosencephaly 5 (HPE5). Identifiers: Orphanet 2162, MedGen C1864827, MONDO:0012322, OMIM 609637.

Submission:

Labcorp Genetics (formerly Invitae), Labcorp
Classification: Uncertain significance for Holoprosencephaly 5. Last evaluated: 2024-09-04. Review status: criteria provided, single submitter. Criteria: Invitae Variant Classification Sherloc (09022015). Collection method: clinical testing. Allele origin: germline.
Comment: This sequence change replaces glycine, which is neutral and non-polar, with serine, which is neutral and polar, at codon 311 of the ZIC2 protein (p.Gly311Ser). This variant is present in population databases (no rsID available, gnomAD 0.003%). This variant has not been reported in the literature in individuals affected with ZIC2-related conditions. Invitae Evidence Modeling of protein sequence and biophysical properties (such as structural, functional, and spatial information, amino acid conservation, physicochemical variation, residue mobility, and thermodynamic stability) indicates that this missense variant is not expected to disrupt ZIC2 protein function with a negative predictive value of 80%. In summary, the available evidence is currently insufficient to determine the role of this variant in disease. Therefore, it has been classified as a Variant of Uncertain Significance.